The following is an entry in ClinVar:

NM_176824.3(BBS7):c.342G>A (p.Met114Ile)

Gene: BBS7 (Bardet-Biedl syndrome 7; minus strand). Cytogenetic location: 4q27.
Variant type: single nucleotide variant.
Coding change: c.342G>A on transcript NM_176824.3 (MANE Select); coding-DNA position 342, G replaced by A.
Protein change: p.Met114Ile; replaces methionine 114 with isoleucine.
Molecular consequence: missense variant.
Genome position (GRCh38, 1-based): chr4:121,859,178, C>T on the plus strand (G>A on the coding strand, the complement: BBS7 is on the minus strand). VCF-style: chr4-121859178-C-T. GRCh37 (hg19) VCF-style: chr4-122780333-C-T.
Other names: c.342G>A, p.Met114Ile (NM_018190.4); short protein forms M114I.
Identifiers: ClinVar variation 5000193 (VCV005000193.1).

ClinVar aggregate classification (germline): Uncertain significance (1 of 4 stars; one submission).

Conditions:
BBS7-related disorder. Also called: BBS7-related condition.

Submission:

PreventionGenetics, part of Exact Sciences
Classification: Uncertain significance for BBS7-related condition. Last evaluated: 2024-11-27. Review status: criteria provided, single submitter. Criteria: ACMG Guidelines, 2015. Collection method: clinical testing. Allele origin: germline.
Comment: The BBS7 c.342G>A variant is predicted to result in the amino acid substitution p.Met114Ile. To our knowledge, this variant has not been reported in the literature. This variant is reported in 0.00088% of alleles in individuals of European (Non-Finnish) descent in gnomAD. At this time, the clinical significance of this variant is uncertain due to the absence of conclusive functional and genetic evidence.